The following is an entry in ClinVar:

ClinVar aggregate classification (germline): Uncertain significance (1 of 4 stars; one submission).

Conditions:
Multiple mitochondrial dysfunctions syndrome 1 (MMDS1). Identifiers: Orphanet 401869, MedGen C3276432, MONDO:0011582, OMIM 605711.

gnomAD v4.1: 5 of 1,576,572 alleles (0.00032%); highest among the groups gnomAD compares: Admixed American, 0.0017%; no homozygotes.

Submission:

Labcorp Genetics (formerly Invitae), Labcorp
Classification: Uncertain significance for Multiple mitochondrial dysfunctions syndrome 1. Last evaluated: 2022-09-30. Review status: criteria provided, single submitter. Criteria: Invitae Variant Classification Sherloc (09022015). Collection method: clinical testing. Allele origin: germline.
Comment: In summary, the available evidence is currently insufficient to determine the role of this variant in disease. Therefore, it has been classified as a Variant of Uncertain Significance. Advanced modeling of protein sequence and biophysical properties (such as structural, functional, and spatial information, amino acid conservation, physicochemical variation, residue mobility, and thermodynamic stability) performed at Invitae indicates that this missense variant is expected to disrupt NFU1 protein function. This variant has not been reported in the literature in individuals affected with NFU1-related conditions. This variant is present in population databases (no rsID available, gnomAD 0.003%). This sequence change replaces threonine, which is neutral and polar, with asparagine, which is neutral and polar, at codon 120 of the NFU1 protein (p.Thr120Asn).

NM_001002755.4(NFU1):c.359C>A (p.Thr120Asn)

Gene: NFU1 (NFU1 iron-sulfur cluster scaffold; minus strand). Cytogenetic location: 2p13.3.
Variant type: single nucleotide variant.
Coding change: c.359C>A on transcript NM_001002755.4 (MANE Select); coding-DNA position 359, C replaced by A.
Protein change: p.Thr120Asn; replaces threonine 120 with asparagine.
Molecular consequence: missense variant. On other transcripts: 5 prime UTR variant (1), non-coding transcript variant (2).
Genome position (GRCh38, 1-based): chr2:69,419,548, G>T on the plus strand (C>A on the coding strand, the complement: NFU1 is on the minus strand). VCF-style: chr2-69419548-G-T. GRCh37 (hg19) VCF-style: chr2-69646680-G-T.
Other names: c.-65C>A (NM_001002756.2); c.287C>A, p.Thr96Asn (NM_001374284.1, NM_015700.4); short protein forms T120N, T96N.
Identifiers: ClinVar variation 1911725 (VCV001911725.4), dbSNP rs1335827751, ClinGen allele CA347127975.